The following is an entry in ClinVar:

NM_000179.3(MSH6):c.3080T>G (p.Val1027Gly)

Gene: MSH6 (mutS homolog 6; plus strand). Cytogenetic location: 2p16.3.
Variant type: single nucleotide variant.
Coding change: c.3080T>G on transcript NM_000179.3 (MANE Select); coding-DNA position 3080, T replaced by G.
Protein change: p.Val1027Gly; replaces valine 1027 with glycine.
Molecular consequence: missense variant.
Genome position (GRCh38, 1-based): chr2:47,801,063, T>G. VCF-style: chr2-47801063-T-G. GRCh37 (hg19) VCF-style: chr2-48028202-T-G.
Other names: c.2690T>G, p.Val897Gly (NM_001281492.2); c.2174T>G, p.Val725Gly (NM_001281493.2, NM_001281494.2); short protein forms V1027G, V897G, V725G.
Identifiers: ClinVar variation 455230 (VCV000455230.18), dbSNP rs1553414471, ClinGen allele CA346756562.

ClinVar aggregate classification (germline): Uncertain significance. Review status: criteria provided, multiple submitters, no conflicts (2 of 4 stars). 5 submissions from 5 submitters: Uncertain significance (5). Last evaluated 2026-01-06.

Conditions:
Hereditary nonpolyposis colorectal neoplasms. Identifiers: MedGen C0009405, MeSH D003123.
Hereditary cancer-predisposing syndrome. Also called: Hereditary Cancer Syndrome; Hereditary neoplastic syndrome; Neoplastic Syndromes, Hereditary; Tumor predisposition. Identifiers: Orphanet 140162, MedGen C0027672, MeSH D009386, MONDO:0015356.
Endometrial carcinoma. Also called: Endometrial carcinoma, somatic. Identifiers: MedGen C0476089, MONDO:0002447, OMIM 608089, HP:0012114.

Submissions (5):

Labcorp Genetics (formerly Invitae), Labcorp
Classification: Uncertain significance for Hereditary nonpolyposis colorectal neoplasms. Last evaluated: 2026-01-06. Review status: criteria provided, single submitter. Criteria: Invitae Variant Classification Sherloc (09022015). Collection method: clinical testing. Allele origin: germline.
Comment: This sequence change replaces valine, which is neutral and non-polar, with glycine, which is neutral and non-polar, at codon 1027 of the MSH6 protein (p.Val1027Gly). This variant is not present in population databases (gnomAD no frequency). This variant has not been reported in the literature in individuals affected with MSH6-related conditions. ClinVar contains an entry for this variant (Variation ID: 455230). Invitae Evidence Modeling of protein sequence and biophysical properties (such as structural, functional, and spatial information, amino acid conservation, physicochemical variation, residue mobility, and thermodynamic stability) indicates that this missense variant is not expected to disrupt MSH6 protein function with a negative predictive value of 95%. In summary, the available evidence is currently insufficient to determine the role of this variant in disease. Therefore, it has been classified as a Variant of Uncertain Significance.

Color Diagnostics, LLC DBA Color Health
Classification: Uncertain significance for Hereditary cancer-predisposing syndrome. Last evaluated: 2025-09-05. Review status: criteria provided, single submitter. Criteria: ACMG Guidelines, 2015. Collection method: clinical testing. Allele origin: germline.
Comment: This missense variant replaces valine with glycine at codon 1027 of the MSH6 protein. Computational prediction suggests that this variant may not impact protein structure and function. To our knowledge, functional studies have not been reported for this variant. This variant has not been reported in individuals affected with MSH6-related disorders in the literature. This variant has not been identified in the general population by the Genome Aggregation Database (gnomAD). The available evidence is insufficient to determine the role of this variant in disease conclusively. Therefore, this variant is classified as a Variant of Uncertain Significance.

Ambry Genetics
Classification: Uncertain significance for Hereditary cancer-predisposing syndrome. Last evaluated: 2024-07-11. Review status: criteria provided, single submitter. Criteria: Ambry Variant Classification Scheme 2023. Collection method: clinical testing. Allele origin: germline.
Comment: The p.V1027G variant (also known as c.3080T>G), located in coding exon 4 of the MSH6 gene, results from a T to G substitution at nucleotide position 3080. The valine at codon 1027 is replaced by glycine, an amino acid with dissimilar properties. This amino acid position is poorly conserved in available vertebrate species. In addition, the in silico prediction for this alteration is inconclusive. Based on the available evidence, the clinical significance of this variant remains unclear.

Baylor Genetics
Classification: Uncertain significance for Endometrial carcinoma. Last evaluated: 2024-03-08. Review status: criteria provided, single submitter. Criteria: ACMG Guidelines, 2015. Collection method: clinical testing. Allele origin: unknown.

Quest Diagnostics Nichols Institute San Juan Capistrano
Classification: Uncertain significance. Last evaluated: 2019-03-11. Review status: criteria provided, single submitter. Criteria: Quest Diagnostics criteria. Collection method: clinical testing. Allele origin: germline.